The following is an entry in ClinVar:

ClinVar aggregate classification (germline): Uncertain significance (1 of 4 stars; one submission).

Conditions:
Hereditary cancer-predisposing syndrome. Also called: Neoplastic Syndromes, Hereditary; Tumor predisposition; Hereditary neoplastic syndrome; Hereditary Cancer Syndrome. Identifiers: Orphanet 140162, MedGen C0027672, MeSH D009386, MONDO:0015356.

Submission:

Ambry Genetics
Classification: Uncertain significance for Hereditary cancer-predisposing syndrome. Last evaluated: 2026-07-06. Review status: criteria provided, single submitter. Criteria: Ambry Variant Classification Scheme 2023. Collection method: clinical testing. Allele origin: germline.
Comment: The p.N1018D variant (also known as c.3052A>G), located in coding exon 14 of the MET gene, results from an A to G substitution at nucleotide position 3052. The asparagine at codon 1018 is replaced by aspartic acid, an amino acid with highly similar properties. This amino acid position is conserved. In addition, the in silico prediction for this alteration is inconclusive. Based on the available evidence, the clinical significance of this variant remains unclear.

NM_000245.4(MET):c.3052A>G (p.Asn1018Asp)

Gene: MET (MET proto-oncogene, receptor tyrosine kinase; plus strand). Cytogenetic location: 7q31.2.
Variant type: single nucleotide variant.
Coding change: c.3052A>G on transcript NM_000245.4 (MANE Select); coding-DNA position 3052, A replaced by G.
Protein change: p.Asn1018Asp; replaces asparagine 1018 with aspartic acid.
Molecular consequence: missense variant.
Genome position (GRCh38, 1-based): chr7:116,774,904, A>G. VCF-style: chr7-116774904-A-G. GRCh37 (hg19) VCF-style: chr7-116414958-A-G.
Other names: c.3106A>G, p.Asn1036Asp (NM_001127500.3); c.1762A>G, p.Asn588Asp (NM_001324402.2); short protein forms N1018D, N588D, N1036D.
Identifiers: ClinVar variation 5024352 (VCV005024352.1).